The following is an entry in ClinVar:

ClinVar aggregate classification (germline): Uncertain significance (1 of 4 stars; one submission).

Conditions:
Multiple congenital exostosis (EXT). Also called: Hereditary multiple osteochondromas; MULTIPLE CARTILAGINOUS EXOSTOSES; Hereditary multiple exostoses; Hereditary multiple exostosis; Multiple osteochondromas; Multiple exostoses. Identifiers: Orphanet 321, MedGen C0015306, MONDO:0005508, HP:0002762.

Submission:

Labcorp Genetics (formerly Invitae), Labcorp
Classification: Uncertain significance for Multiple congenital exostosis. Last evaluated: 2024-06-12. Review status: criteria provided, single submitter. Criteria: Invitae Variant Classification Sherloc (09022015). Collection method: clinical testing. Allele origin: germline.
Comment: This sequence change replaces arginine, which is basic and polar, with glutamine, which is neutral and polar, at codon 701 of the EXT1 protein (p.Arg701Gln). This variant is not present in population databases (gnomAD no frequency). This variant has not been reported in the literature in individuals affected with EXT1-related conditions. Advanced modeling of protein sequence and biophysical properties (such as structural, functional, and spatial information, amino acid conservation, physicochemical variation, residue mobility, and thermodynamic stability) performed at Invitae indicates that this missense variant is not expected to disrupt EXT1 protein function with a negative predictive value of 80%. In summary, the available evidence is currently insufficient to determine the role of this variant in disease. Therefore, it has been classified as a Variant of Uncertain Significance.

NM_000127.3(EXT1):c.2102G>A (p.Arg701Gln)

Gene: EXT1 (exostosin glycosyltransferase 1; minus strand). Cytogenetic location: 8q24.11.
Variant type: single nucleotide variant.
Coding change: c.2102G>A on transcript NM_000127.3 (MANE Select); coding-DNA position 2102, G replaced by A.
Protein change: p.Arg701Gln; replaces arginine 701 with glutamine.
Molecular consequence: missense variant.
Genome position (GRCh38, 1-based): chr8:117,799,851, C>T on the plus strand (G>A on the coding strand, the complement: EXT1 is on the minus strand). VCF-style: chr8-117799851-C-T. GRCh37 (hg19) VCF-style: chr8-118812090-C-T.
Other names: short protein forms R701Q.
Identifiers: ClinVar variation 3656341 (VCV003656341.2).
Genomic context (GRCh38, chr8:117,799,851, plus strand): 5'-TGAGAGTGGATCAGCGGCATGTAGCCAAACCAGCTGGCAAACGTATTCATGCAGCTCTGT[C>T]GCTGGGCAAAGTGGTCAGGGTCAGCCCAACGGGAAGCCCGAGAAGTCTAGGGAGAAGGAG-3'
Protein context (NP_000118.2, residues 691-711): RWADPDHFAQ[Arg701Gln]QSCMNTFASW